The following is an entry in ClinVar:

ClinVar aggregate classification (germline): Uncertain significance (1 of 4 stars; one submission).

Submission:

GeneDx
Classification: Uncertain significance. Last evaluated: 2024-11-26. Review status: criteria provided, single submitter. Criteria: GeneDx Variant Classification Process June 2021. Collection method: clinical testing. Allele origin: germline. Affected: yes.
Comment: Not observed at significant frequency in large population cohorts (gnomAD); In silico analysis supports that this missense variant has a deleterious effect on protein structure/function; Has not been previously published as pathogenic or benign to our knowledge

NM_016148.5(SHANK1):c.2336C>T (p.Pro779Leu)

Gene: SHANK1 (SH3 and multiple ankyrin repeat domains 1; minus strand). Cytogenetic location: 19q13.33.
Variant type: single nucleotide variant.
Coding change: c.2336C>T on transcript NM_016148.5 (MANE Select); coding-DNA position 2336, C replaced by T.
Protein change: p.Pro779Leu; replaces proline 779 with leucine.
Molecular consequence: missense variant.
Genome position (GRCh38, 1-based): chr19:50,687,635, G>A on the plus strand (C>T on the coding strand, the complement: SHANK1 is on the minus strand). VCF-style: chr19-50687635-G-A. GRCh37 (hg19) VCF-style: chr19-51190892-G-A.
Other names: short protein forms P779L.
Identifiers: ClinVar variation 3900782 (VCV003900782.1).